The following is an entry in ClinVar:

ClinVar aggregate classification (germline): Uncertain significance. Review status: criteria provided, multiple submitters, no conflicts (2 of 4 stars). 2 submissions from 2 submitters: Uncertain significance (2). Last evaluated 2021-05-20.

Conditions:
Succinate-semialdehyde dehydrogenase deficiency (SSADHD). Also called: GABA METABOLIC DEFECT; 4-HYDROXYBUTYRIC ACIDURIA; SSADH DEFICIENCY; Succinic Semialdehyde Dehydrogenase Deficiency. Identifiers: Orphanet 22, MedGen C0268631, MONDO:0010083, OMIM 271980.

gnomAD v4.1: 5 of 1,354,660 alleles (0.00037%); highest among the groups gnomAD compares: East Asian, 0.011%; no homozygotes.

Submissions (2):

Labcorp Genetics (formerly Invitae), Labcorp
Classification: Uncertain significance for Succinate-semialdehyde dehydrogenase deficiency. Last evaluated: 2021-05-20. Review status: criteria provided, single submitter. Criteria: Invitae Variant Classification Sherloc (09022015). Collection method: clinical testing. Allele origin: germline.
Comment: In summary, the available evidence is currently insufficient to determine the role of this variant in disease. Therefore, it has been classified as a Variant of Uncertain Significance. Algorithms developed to predict the effect of sequence changes on RNA splicing suggest that this variant may create or strengthen a splice site, but this prediction has not been confirmed by published transcriptional studies. This sequence change replaces glycine with arginine at codon 16 of the ALDH5A1 protein (p.Gly16Arg). The glycine residue is weakly conserved and there is a moderate physicochemical difference between glycine and arginine. The frequency data for this variant in the population databases is considered unreliable, as metrics indicate insufficient coverage at this position in the ExAC database. This variant has not been reported in the literature in individuals with ALDH5A1-related conditions. Advanced modeling of protein sequence and biophysical properties (such as structural, functional, and spatial information, amino acid conservation, physicochemical variation, residue mobility, and thermodynamic stability) performed at Invitae indicates that this missense variant is not expected to disrupt ALDH5A1 protein function.

GeneDx
Classification: Uncertain significance. Last evaluated: 2019-05-28. Review status: criteria provided, single submitter. Criteria: GeneDx Variant Classification Process June 2021. Collection method: clinical testing. Allele origin: germline. Affected: yes.
Comment: Not observed in large population cohorts (Lek et al., 2016); In silico analysis, which includes protein predictors and evolutionary conservation, supports that this variant does not alter protein structure/function; Has not been previously published as pathogenic or benign to our knowledge

NM_001080.3(ALDH5A1):c.46G>A (p.Gly16Arg)

Genes: GPLD1 (glycosylphosphatidylinositol specific phospholipase D1; minus strand), ALDH5A1 (aldehyde dehydrogenase 5 family member A1; plus strand), LOC129995978 (ATAC-STARR-seq lymphoblastoid silent region 16989; plus strand). Cytogenetic location: 6p22.3.
Variant type: single nucleotide variant.
Coding change: c.46G>A on transcript NM_001080.3 (MANE Select); coding-DNA position 46, G replaced by A.
Protein change: p.Gly16Arg; replaces glycine 16 with arginine.
Molecular consequence: missense variant.
Genome position (GRCh38, 1-based): chr6:24,495,042, G>A. VCF-style: chr6-24495042-G-A. GRCh37 (hg19) VCF-style: chr6-24495270-G-A.
Other names: c.46G>A, p.Gly16Arg (NM_001368954.1, NM_170740.1); short protein forms G16R.
Identifiers: ClinVar variation 1306020 (VCV001306020.8), dbSNP rs1224797369, ClinGen allele CA362968125.